The following is an entry in ClinVar:

ClinVar aggregate classification (germline): Conflicting classifications of pathogenicity. Review status: criteria provided, conflicting classifications (1 of 4 stars). 3 submissions from 3 submitters: Uncertain significance (1); Likely benign (2). Last evaluated 2026-01-15.

Conditions:
Centromeric instability of chromosomes 1,9 and 16 and immunodeficiency (ICF1). Also called: Immunodeficiency-centromeric instability-facial anomalies; IMMUNE DEFICIENCY, VARIABLE, WITH CENTROMERIC INSTABILITY OF CHROMOSOMES 1, 9, AND 16; IMMUNODEFICIENCY SYNDROME, VARIABLE; CENTROMERIC INSTABILITY, IMMUNODEFICIENCY SYNDROME. Identifiers: Orphanet 2268, MedGen C0398788, MONDO:0000133.
Immunodeficiency-centromeric instability-facial anomalies syndrome 1 (ICF1). Identifiers: Orphanet 2268, MedGen C4551557, MONDO:0009454, OMIM 242860.

Allele frequency attached by ClinVar (database versions not stated): TOPMed 0.00002; gnomAD 0.00004; ExAC 0.00005; ESP Exome Variant Server 0.00015.
gnomAD v4.1: 144 of 1,614,084 alleles (0.0089%); highest among the groups gnomAD compares: Non-Finnish European, 0.012%; no homozygotes.

Submissions (3):

Labcorp Genetics (formerly Invitae), Labcorp
Classification: Likely benign for Centromeric instability of chromosomes 1,9 and 16 and immunodeficiency. Last evaluated: 2026-01-15. Review status: criteria provided, single submitter. Criteria: Invitae Variant Classification Sherloc (09022015). Collection method: clinical testing. Allele origin: germline.

CeGaT Center for Human Genetics Tuebingen
Classification: Likely benign. Last evaluated: 2025-02-01. Review status: criteria provided, single submitter. Criteria: CeGaT Center For Human Genetics Tuebingen Variant Classification Criteria Version 2. Collection method: clinical testing. Allele origin: germline. Affected: yes. Observed: 1 variant allele.
Comment: DNMT3B: BP4, BP7

Illumina Laboratory Services, Illumina
Classification: Uncertain significance for Immunodeficiency-centromeric instability-facial anomalies syndrome 1. Last evaluated: 2018-01-13. Review status: criteria provided, single submitter. Criteria: ICSL Variant Classification Criteria 13 December 2019. Collection method: clinical testing. Allele origin: germline.

NM_006892.4(DNMT3B):c.1542C>T (p.Ala514=)

Genes: DNMT3B (DNA methyltransferase 3 beta; plus strand), LOC126863014 (CDK7 strongly-dependent group 2 enhancer GRCh37_chr20:31385992-31387191; plus strand). Cytogenetic location: 20q11.21.
Variant type: single nucleotide variant.
Coding change: c.1542C>T on transcript NM_006892.4 (MANE Select); coding-DNA position 1542, C replaced by T.
Protein change: p.Ala514=; no amino-acid change (alanine 514 retained).
Molecular consequence: synonymous variant.
Genome position (GRCh38, 1-based): chr20:32,798,511, C>T. VCF-style: chr20-32798511-C-T. GRCh37 (hg19) VCF-style: chr20-31386317-C-T.
Other names: c.1356C>T, p.Ala452= (NM_001207055.2); c.1254C>T, p.Ala418= (NM_001207056.2); c.1482C>T, p.Ala494= (NM_175848.2, NM_175849.2); c.1518C>T, p.Ala506= (NM_175850.3).
Identifiers: ClinVar variation 750677 (VCV000750677.23), dbSNP rs140714949, ClinGen allele CA9810627.